The following is an entry in ClinVar:

NM_004519.4(KCNQ3):c.-65C>T

Gene: KCNQ3 (potassium voltage-gated channel subfamily Q member 3; minus strand). Cytogenetic location: 8q24.22.
Variant type: single nucleotide variant.
Coding change: c.-65C>T on transcript NM_004519.4 (MANE Select); 65 bases upstream of the start codon, C replaced by T.
Molecular consequence: 5 prime UTR variant.
Genome position (GRCh38, 1-based): chr8:132,480,597, G>A on the plus strand (C>T on the coding strand, the complement: KCNQ3 is on the minus strand). VCF-style: chr8-132480597-G-A. GRCh37 (hg19) VCF-style: chr8-133492844-G-A.
Identifiers: ClinVar variation 361885 (VCV000361885.9), dbSNP rs180674534, ClinGen allele CA4881045.

ClinVar aggregate classification (germline): Benign/Likely benign. Review status: criteria provided, multiple submitters, no conflicts (2 of 4 stars). 3 submissions from 3 submitters: Benign (1); Likely benign (2). Last evaluated 2018-06-23.

Conditions:
Seizures, benign familial neonatal, 2. Also called: CONVULSIONS, BENIGN FAMILIAL NEONATAL, 2; KCNQ3-Related Self-Limited Familial Neonatal Epilepsy (SLFNE); Benign Neonatal Epilepsy 2; KCNQ3-Related Benign Familial Neonatal Epilepsy; Seizures, benign neonatal, 2. Identifiers: Orphanet 1949, MedGen C1852581, MONDO:0007366, OMIM 121201.

Allele frequency attached by ClinVar (database versions not stated): 1000 Genomes Project 30x 0.00703; gnomAD 0.00507; 1000 Genomes Project 0.00579; TOPMed 0.00651.
gnomAD v4.1: 1,321 of 1,231,366 alleles (0.11%); highest among the groups gnomAD compares: African/African-American, 1.8%; 24 homozygotes.

Submissions (3):

GeneDx
Classification: Likely benign. Last evaluated: 2018-06-23. Review status: criteria provided, single submitter. Criteria: GeneDx Variant Classification Process June 2021. Collection method: clinical testing. Allele origin: germline. Affected: yes.

Illumina Laboratory Services, Illumina
Classification: Benign for Seizures, benign familial neonatal, 2. Last evaluated: 2018-01-13. Review status: criteria provided, single submitter. Criteria: ICSL Variant Classification Criteria 13 December 2019. Collection method: clinical testing. Allele origin: germline.
Comment: This variant was observed in the ICSL laboratory as part of a predisposition screen in an ostensibly healthy population. It had not been previously curated by ICSL or reported in the Human Gene Mutation Database (HGMD: prior to June 1st, 2018), and was therefore a candidate for classification through an automated scoring system. Utilizing variant allele frequency, disease prevalence and penetrance estimates, and inheritance mode, an automated score was calculated to assess if this variant is too frequent to cause the disease. Based on the score and internal cut-off values, a variant classified as benign is not then subjected to further curation. The score for this variant resulted in a classification of benign for this disease.

Breakthrough Genomics
Classification: Likely benign. Review status: criteria provided, single submitter. Criteria: ACMG Guidelines, 2015. Collection method: not provided. Allele origin: germline. Inheritance: Autosomal dominant inheritance. Affected: yes.